The following is an entry in ClinVar:

ClinVar aggregate classification (germline): Benign/Likely benign. Review status: criteria provided, multiple submitters, no conflicts (2 of 4 stars). 3 submissions from 3 submitters: Benign (2); Likely benign (1). Last evaluated 2026-03-01.

Allele frequency attached by ClinVar (database versions not stated): gnomAD 0.00064 and 0.00097; TOPMed 0.00068; ESP Exome Variant Server 0.00107; gnomAD exomes 0.00157 and 0.00219; 1000 Genomes Project 0.00240; 1000 Genomes Project 30x 0.00250; ExAC 0.00251.
gnomAD v4.1: 2,432 of 1,603,552 alleles (0.15%); highest among the groups gnomAD compares: South Asian, 1.1%; 12 homozygotes.

Submissions (3):

CeGaT Center for Human Genetics Tuebingen
Classification: Likely benign. Last evaluated: 2026-03-01. Review status: criteria provided, single submitter. Criteria: CeGaT Center For Human Genetics Tuebingen Variant Classification Criteria Version 2. Collection method: clinical testing. Allele origin: germline. Affected: yes. Observed: 3 variant alleles.
Comment: SPEG: BP4, BS1

Labcorp Genetics (formerly Invitae), Labcorp
Classification: Benign. Last evaluated: 2026-01-12. Review status: criteria provided, single submitter. Criteria: Invitae Variant Classification Sherloc (09022015). Collection method: clinical testing. Allele origin: germline.

Breakthrough Genomics
Classification: Benign. Review status: criteria provided, single submitter. Criteria: ACMG Guidelines, 2015. Collection method: not provided. Allele origin: germline. Inheritance: Autosomal recessive inheritance. Affected: yes.

NM_005876.5(SPEG):c.620G>A (p.Arg207His)

Gene: SPEG (striated muscle enriched protein kinase; plus strand). Cytogenetic location: 2q35.
Variant type: single nucleotide variant.
Coding change: c.620G>A on transcript NM_005876.5 (MANE Select); coding-DNA position 620, G replaced by A.
Protein change: p.Arg207His; replaces arginine 207 with histidine.
Molecular consequence: missense variant.
Genome position (GRCh38, 1-based): chr2:219,444,966, G>A. VCF-style: chr2-219444966-G-A. GRCh37 (hg19) VCF-style: chr2-220309688-G-A.
Other names: short protein forms R207H.
Identifiers: ClinVar variation 774166 (VCV000774166.32), dbSNP rs202020343, ClinGen allele CA2125535.